The following is an entry in ClinVar:

NM_001025389.2(AMPD3):c.1302G>A (p.Gln434=)

Gene: AMPD3 (adenosine monophosphate deaminase 3; plus strand). Cytogenetic location: 11p15.4.
Variant type: single nucleotide variant.
Coding change: c.1302G>A on transcript NM_001025389.2 (MANE Select); coding-DNA position 1302, G replaced by A.
Protein change: p.Gln434=; no amino-acid change (glutamine 434 retained).
Molecular consequence: synonymous variant.
Genome position (GRCh38, 1-based): chr11:10,495,605, G>A. VCF-style: chr11-10495605-G-A. GRCh37 (hg19) VCF-style: chr11-10517152-G-A.
Other names: c.1329G>A, p.Gln443= (NM_000480.3); c.1323G>A, p.Gln441= (NM_001025390.2); c.1302G>A, p.Gln434= (NM_001172430.1); c.825G>A, p.Gln275= (NM_001172431.2).
Identifiers: ClinVar variation 3034967 (VCV003034967.2), dbSNP rs376077336, ClinGen allele CA5882980.

ClinVar aggregate classification (germline): Likely benign (0 of 4 stars; one submission).

Conditions:
AMPD3-related disorder. Also called: AMPD3-related condition.

Allele frequency attached by ClinVar (database versions not stated): ExAC 0.00010; gnomAD 0.00017; TOPMed 0.00018; ESP Exome Variant Server 0.00031; gnomAD exomes 0.00055.
gnomAD v4.1: 806 of 1,613,474 alleles (0.05%); highest among the groups gnomAD compares: Non-Finnish European, 0.067%; no homozygotes.

Submission:

PreventionGenetics, part of Exact Sciences
Classification: Likely benign for AMPD3-related condition. Last evaluated: 2019-08-13. Review status: no assertion criteria provided. Collection method: clinical testing. Allele origin: germline.
Comment: This variant is classified as likely benign based on ACMG/AMP sequence variant interpretation guidelines (Richards et al. 2015 PMID: 25741868, with internal and published modifications).